The following is an entry in ClinVar:

NM_000395.3(CSF2RB):c.2533G>C (p.Gly845Arg)

Gene: CSF2RB (colony stimulating factor 2 receptor subunit beta; plus strand). Cytogenetic location: 22q12.3.
Variant type: single nucleotide variant.
Coding change: c.2533G>C on transcript NM_000395.3 (MANE Select); coding-DNA position 2533, G replaced by C.
Protein change: p.Gly845Arg; replaces glycine 845 with arginine.
Molecular consequence: missense variant.
Genome position (GRCh38, 1-based): chr22:36,938,341, G>C. VCF-style: chr22-36938341-G-C. GRCh37 (hg19) VCF-style: chr22-37334383-G-C.
Other names: c.2551G>C, p.Gly851Arg (NM_001410827.1); short protein forms G845R, G851R.
Identifiers: ClinVar variation 3650008 (VCV003650008.2).

ClinVar aggregate classification (germline): Uncertain significance (1 of 4 stars; one submission).

Submission:

Labcorp Genetics (formerly Invitae), Labcorp
Classification: Uncertain significance. Last evaluated: 2024-04-25. Review status: criteria provided, single submitter. Criteria: Invitae Variant Classification Sherloc (09022015). Collection method: clinical testing. Allele origin: germline.
Comment: This sequence change replaces glycine, which is neutral and non-polar, with arginine, which is basic and polar, at codon 845 of the CSF2RB protein (p.Gly845Arg). This variant is not present in population databases (gnomAD no frequency). This variant has not been reported in the literature in individuals affected with CSF2RB-related conditions. Advanced modeling of protein sequence and biophysical properties (such as structural, functional, and spatial information, amino acid conservation, physicochemical variation, residue mobility, and thermodynamic stability) performed at Invitae indicates that this missense variant is not expected to disrupt CSF2RB protein function with a negative predictive value of 80%. In summary, the available evidence is currently insufficient to determine the role of this variant in disease. Therefore, it has been classified as a Variant of Uncertain Significance.